The following is an entry in ClinVar:

ClinVar aggregate classification (germline): Uncertain significance. Review status: criteria provided, multiple submitters, no conflicts (2 of 4 stars). 2 submissions from 2 submitters: Uncertain significance (2). Last evaluated 2025-12-24.

gnomAD v4.1: 41 of 1,612,492 alleles (0.0025%); highest among the groups gnomAD compares: Non-Finnish European, 0.0033%; no homozygotes.

Submissions (2):

Labcorp Genetics (formerly Invitae), Labcorp
Classification: Uncertain significance. Last evaluated: 2025-12-24. Review status: criteria provided, single submitter. Criteria: Invitae Variant Classification Sherloc (09022015). Collection method: clinical testing. Allele origin: germline.
Comment: This sequence change replaces arginine, which is basic and polar, with leucine, which is neutral and non-polar, at codon 1326 of the LRP5 protein (p.Arg1326Leu). This variant is not present in population databases (gnomAD no frequency). This variant has not been reported in the literature in individuals affected with LRP5-related conditions. ClinVar contains an entry for this variant (Variation ID: 1415333). Invitae Evidence Modeling of protein sequence and biophysical properties (such as structural, functional, and spatial information, amino acid conservation, physicochemical variation, residue mobility, and thermodynamic stability) indicates that this missense variant is not expected to disrupt LRP5 protein function with a negative predictive value of 95%. In summary, the available evidence is currently insufficient to determine the role of this variant in disease. Therefore, it has been classified as a Variant of Uncertain Significance.

Blueprint Genetics
Classification: Uncertain significance. Last evaluated: 2018-10-15. Review status: criteria provided, single submitter. Criteria: ACMG Guidelines, 2015. Collection method: clinical testing. Allele origin: germline.

NM_002335.4(LRP5):c.3977G>T (p.Arg1326Leu)

Gene: LRP5 (LDL receptor related protein 5; plus strand). Cytogenetic location: 11q13.2.
Variant type: single nucleotide variant.
Coding change: c.3977G>T on transcript NM_002335.4 (MANE Select); coding-DNA position 3977, G replaced by T.
Protein change: p.Arg1326Leu; replaces arginine 1326 with leucine.
Molecular consequence: missense variant.
Genome position (GRCh38, 1-based): chr11:68,433,815, G>T. VCF-style: chr11-68433815-G-T. GRCh37 (hg19) VCF-style: chr11-68201283-G-T.
Other names: c.2234G>T, p.Arg745Leu (NM_001291902.2); short protein forms R1326L, R745L.
Identifiers: ClinVar variation 1415333 (VCV001415333.9), dbSNP rs368985815, ClinGen allele CA224251122.
Genomic context (GRCh38, chr11:68,433,815, plus strand): 5'-CGCGGGGTCAGTGTGTGGACCTGCGCCTGCGCTGCGACGGCGAGGCAGACTGTCAGGACC[G>T]CTCAGACGAGGCGGACTGTGACGGTGAGGCCCTCCCCGTCAAGGCTCTGCCAAGACCCTG-3'
Protein context (NP_002326.2, residues 1316-1336): RCDGEADCQD[Arg1326Leu]SDEADCDAIC